The following is an entry in ClinVar:

ClinVar aggregate classification (germline): Uncertain significance. Review status: criteria provided, multiple submitters, no conflicts (2 of 4 stars). 2 submissions from 2 submitters: Uncertain significance (2). Last evaluated 2021-09-01.

Allele frequency attached by ClinVar (database versions not stated): gnomAD exomes below 0.00001; TOPMed below 0.00001; gnomAD 0.00002.
gnomAD v4.1: 6 of 1,613,810 alleles (0.00037%); highest among the groups gnomAD compares: African/African-American, 0.004%; no homozygotes.

Submissions (2):

Labcorp Genetics (formerly Invitae), Labcorp
Classification: Uncertain significance. Last evaluated: 2021-09-01. Review status: criteria provided, single submitter. Criteria: Invitae Variant Classification Sherloc (09022015). Collection method: clinical testing. Allele origin: germline.
Comment: This sequence change replaces glycine with arginine at codon 5223 of the ADGRV1 protein (p.Gly5223Arg). The glycine residue is highly conserved and there is a moderate physicochemical difference between glycine and arginine. This variant is not present in population databases (ExAC no frequency). This variant has not been reported in the literature in individuals affected with ADGRV1-related conditions. ClinVar contains an entry for this variant (Variation ID: 180035). Algorithms developed to predict the effect of missense changes on protein structure and function are either unavailable or do not agree on the potential impact of this missense change (SIFT: "Deleterious"; PolyPhen-2: "Benign"; Align-GVGD: "Class C0"). In summary, the available evidence is currently insufficient to determine the role of this variant in disease. Therefore, it has been classified as a Variant of Uncertain Significance.

Laboratory for Molecular Medicine, Mass General Brigham Personalized Medicine
Classification: Uncertain significance. Last evaluated: 2019-05-09. Review status: criteria provided, single submitter. Criteria: ACMG Guidelines, 2015. Collection method: clinical testing. Allele origin: germline.
Comment: The p.Gly5223Arg variant in ADGRV1 (also known as GPR98) gene has not been previously reported in individuals with hearing loss or Usher syndrome and was absent from large population studies. Computational prediction tools and conservation analysis do not provide strong support for or against an impact to the protein. In summary, the clinical significance of the Gly5223Arg variant is uncertain. ACMG/AMP criteria applied: PM2.

NM_032119.4(ADGRV1):c.15667G>A (p.Gly5223Arg)

Gene: ADGRV1 (adhesion G protein-coupled receptor V1; plus strand). Cytogenetic location: 5q14.3.
Variant type: single nucleotide variant.
Coding change: c.15667G>A on transcript NM_032119.4 (MANE Select); coding-DNA position 15667, G replaced by A.
Protein change: p.Gly5223Arg; replaces glycine 5223 with arginine.
Molecular consequence: missense variant. On other transcripts: non-coding transcript variant (1).
Genome position (GRCh38, 1-based): chr5:90,810,927, G>A. VCF-style: chr5-90810927-G-A. GRCh37 (hg19) VCF-style: chr5-90106744-G-A.
Other names: short protein forms G5223R.
Identifiers: ClinVar variation 180035 (VCV000180035.10), dbSNP rs727505301, ClinGen allele CA185686.
Genomic context (GRCh38, chr5:90,810,927, plus strand): 5'-GAAAAGCCTGATGTGGCCACTGTAACTGCCAATGTTTCCATTCATGGAACATTCAGCCTT[G>A]GGCCATCCATTGTTTATATTGAAGAGGAGATGAAGAATGGCACATTCAACACTGCAGAAG-3'
Protein context (NP_115495.3, residues 5213-5233): NVSIHGTFSL[Gly5223Arg]PSIVYIEEEM